The following is an entry in ClinVar:

NM_206937.2(LIG4):c.627T>C (p.Asn209=)

Gene: LIG4 (DNA ligase 4; minus strand). Cytogenetic location: 13q33.3.
Variant type: single nucleotide variant.
Coding change: c.627T>C on transcript NM_206937.2 (MANE Select); coding-DNA position 627, T replaced by C.
Protein change: p.Asn209=; no amino-acid change (asparagine 209 retained).
Molecular consequence: synonymous variant.
Genome position (GRCh38, 1-based): chr13:108,210,642, A>G on the plus strand (T>C on the coding strand, the complement: LIG4 is on the minus strand). VCF-style: chr13-108210642-A-G. GRCh37 (hg19) VCF-style: chr13-108862990-A-G.
Other names: c.627T>C, p.Asn209= (NM_001098268.2, NM_001352598.2, NM_001352599.2 and 6 more transcripts); c.426T>C, p.Asn142= (NM_001330595.2); c.663T>C, p.Asn221= (NM_001352604.2).
Identifiers: ClinVar variation 3061495 (VCV003061495.2), dbSNP rs1182950659, ClinGen allele CA484976058.

ClinVar aggregate classification (germline): Likely benign (0 of 4 stars; one submission).

Conditions:
LIG4-related disorder. Also called: LIG4-related disorders; LIG4-related condition. Identifiers: MedGen CN239380.

Allele frequency attached by ClinVar (database versions not stated): gnomAD exomes below 0.00001; gnomAD 0.00001.
gnomAD v4.1: 3 of 1,613,678 alleles (0.00019%); highest among the groups gnomAD compares: Non-Finnish European, 0.00025%; no homozygotes.

Submission:

PreventionGenetics, part of Exact Sciences
Classification: Likely benign for LIG4-related condition. Last evaluated: 2024-01-16. Review status: no assertion criteria provided. Collection method: clinical testing. Allele origin: germline.
Comment: This variant is classified as likely benign based on ACMG/AMP sequence variant interpretation guidelines (Richards et al. 2015 PMID: 25741868, with internal and published modifications).